The following is an entry in ClinVar:

NM_002615.7(SERPINF1):c.902T>C (p.Ile301Thr)

Gene: SERPINF1 (serpin family F member 1; plus strand). Cytogenetic location: 17p13.3.
Variant type: single nucleotide variant.
Coding change: c.902T>C on transcript NM_002615.7 (MANE Select); coding-DNA position 902, T replaced by C.
Protein change: p.Ile301Thr; replaces isoleucine 301 with threonine.
Molecular consequence: missense variant.
Genome position (GRCh38, 1-based): chr17:1,776,647, T>C. VCF-style: chr17-1776647-T-C. GRCh37 (hg19) VCF-style: chr17-1679941-T-C.
Other names: c.902T>C, p.Ile301Thr (NM_001329903.2); c.341T>C, p.Ile114Thr (NM_001329904.2, NM_001329905.2); short protein forms I301T, I114T.
Identifiers: ClinVar variation 597290 (VCV000597290.14), dbSNP rs112099952, ClinGen allele CA8274885.

ClinVar aggregate classification (germline): Conflicting classifications of pathogenicity. Review status: criteria provided, conflicting classifications (1 of 4 stars). 7 submissions from 7 submitters: Uncertain significance (6); Likely benign (1). Last evaluated 2026-02-21.

Conditions:
Osteogenesis imperfecta type 6. Also called: Osteogenesis imperfecta, type VI. Identifiers: Orphanet 666, MedGen C3279564, MONDO:0013515, OMIM 613982.

Allele frequency attached by ClinVar (database versions not stated): ESP Exome Variant Server 0.00023; ExAC 0.00027; gnomAD exomes 0.00035 and 0.00053; TOPMed 0.00036; gnomAD 0.00040 and 0.00042.
gnomAD v4.1: 839 of 1,613,908 alleles (0.052%); highest among the groups gnomAD compares: Non-Finnish European, 0.063%; 1 homozygote.

Submissions (7):

Centre for Medical Genetics,  Mumbai
Classification: Likely benign for Osteogenesis imperfecta type 6. Last evaluated: 2026-02-21. Review status: criteria provided, single submitter. Criteria: ACMG Guidelines, 2015. Collection method: provider interpretation. Allele origin: germline. Inheritance: Autosomal recessive inheritance. Affected: no. Observed: 1 variant allele, 1 homozygote.
Comment: The variant satisfies PP3 criteria; For a missense or a splicing region variant, computational prediction tools unanimously support a deleterious effect on the gene. However, the variant satisfies BS2 criteria.

GeneDx
Classification: Uncertain significance. Last evaluated: 2025-07-09. Review status: criteria provided, single submitter. Criteria: GeneDx Variant Classification Process June 2021. Collection method: clinical testing. Allele origin: germline. Affected: yes.
Comment: In silico analysis suggests that this missense variant does not alter protein structure/function; Has not been previously published as pathogenic or benign to our knowledge

ARUP Laboratories, Molecular Genetics and Genomics, ARUP Laboratories
Classification: Uncertain significance for Osteogenesis imperfecta type 6. Last evaluated: 2025-01-10. Review status: criteria provided, single submitter. Criteria: ARUP Molecular Germline Variant Investigation Process 2024. Collection method: clinical testing. Allele origin: germline.
Comment: The SERPINF1 c.902T>C; p.Ile301Thr variant (rs112099952), to our knowledge, is not reported in the medical literature but is reported in ClinVar (Variation ID: 597290). This variant is found in the general population with an overall allele frequency of 0.037% (105/282872 alleles) in the Genome Aggregation Database (v2.1.1). Computational analyses predict that this variant is deleterious (REVEL: 0.714). Due to limited information, the clinical significance of this variant is uncertain at this time.

Blueprint Genetics
Classification: Uncertain significance. Last evaluated: 2024-11-26. Review status: criteria provided, single submitter. Criteria: ACMG Guidelines, 2015. Collection method: clinical testing. Allele origin: germline.

Women's Health and Genetics/Laboratory Corporation of America, LabCorp
Classification: Uncertain significance. Last evaluated: 2024-10-08. Review status: criteria provided, single submitter. Criteria: LabCorp Variant Classification Summary - May 2015. Collection method: clinical testing. Allele origin: germline.
Comment: Variant summary: SERPINF1 c.902T>C (p.Ile301Thr) results in a non-conservative amino acid change located in the Serpin domain (IPR023796) of the encoded protein sequence. Five of five in-silico tools predict a damaging effect of the variant on protein function. The variant allele was found at a frequency of 0.00035 in 251486 control chromosomes. This frequency is not significantly higher than estimated for a pathogenic variant in SERPINF1 causing Osteogenesis Imperfecta (0.00035 vs 0.0011), allowing no conclusion about variant significance. To our knowledge, no occurrence of c.902T>C in individuals affected with Osteogenesis Imperfecta and no experimental evidence demonstrating its impact on protein function have been reported. ClinVar contains an entry for this variant (Variation ID: 597290). Based on the evidence outlined above, the variant was classified as uncertain significance.

Labcorp Genetics (formerly Invitae), Labcorp
Classification: Uncertain significance. Last evaluated: 2022-08-07. Review status: criteria provided, single submitter. Criteria: Invitae Variant Classification Sherloc (09022015). Collection method: clinical testing. Allele origin: germline.
Comment: This sequence change replaces isoleucine, which is neutral and non-polar, with threonine, which is neutral and polar, at codon 301 of the SERPINF1 protein (p.Ile301Thr). This variant is present in population databases (rs112099952, gnomAD 0.07%). This variant has not been reported in the literature in individuals affected with SERPINF1-related conditions. ClinVar contains an entry for this variant (Variation ID: 597290). Algorithms developed to predict the effect of missense changes on protein structure and function are either unavailable or do not agree on the potential impact of this missense change (SIFT: "Not Available"; PolyPhen-2: "Probably Damaging"; Align-GVGD: "Not Available"). In summary, the available evidence is currently insufficient to determine the role of this variant in disease. Therefore, it has been classified as a Variant of Uncertain Significance.

Eurofins Ntd Llc (ga)
Classification: Uncertain significance. Last evaluated: 2018-06-01. Review status: criteria provided, single submitter. Criteria: EGL ClinVar v180209 classification definitions. Collection method: clinical testing. Allele origin: germline. Observed: 1 variant allele, 1 heterozygote.

Literature cited by the submitters: PubMed 21353196 (cited by Centre for Medical Genetics,  Mumbai).